The following is an entry in ClinVar:

ClinVar aggregate classification (germline): Likely pathogenic (1 of 4 stars; one submission).

Conditions:
Charlevoix-Saguenay spastic ataxia (SACS). Also called: AUTOSOMAL RECESSIVE SPASTIC ATAXIA OF CHARLEVOIX-SAGUENAY; Spastic ataxia of Charlevoix-Saguenay; SPASTIC ATAXIA 6, AUTOSOMAL RECESSIVE. Identifiers: Orphanet 98, MedGen C1849140, MONDO:0010041, OMIM 270550.

Submission:

Natera, Inc.
Classification: Likely pathogenic for Charlevoix-Saguenay type spastic ataxia. Last evaluated: 2024-08-24. Review status: criteria provided, single submitter. Criteria: Natera Variant Classification Schema (03/2026). Collection method: clinical testing. Allele origin: germline.
Comment: The c.13438del variant in SACS is a frameshift variant predicted to shift the reading frame beginning at codon 4480 and leads to a stop codon 4 codons downstream. This variant is expected to result in nonsense mediated decay, truncation, or a dysfunctional protein product. This variant is rare in the general population with a frequency below the threshold expected for the associated phenotype(s). Given the available evidence, this variant is classified as Likely Pathogenic.

NM_014363.6(SACS):c.13438del (p.Ser4480fs)

Gene: SACS (sacsin molecular chaperone; minus strand). Cytogenetic location: 13q12.12.
Variant type: Deletion.
Coding change: c.13438del on transcript NM_014363.6 (MANE Select); coding-DNA position 13438, one base deleted (T; older notation c.13438delT).
Protein change: p.Ser4480fs; shifts the reading frame from serine 4480.
Molecular consequence: frameshift variant.
Genome position (GRCh38, 1-based): chr13:23,330,438, A deleted on the plus strand (T on the coding strand, the reverse complement: SACS is on the minus strand); the first of 3 consecutive A bases (chr13:23,330,438-23,330,440); deleting any one gives the same sequence. VCF-style (leftmost placement, unchanged base first): chr13-23330437-GA-G. GRCh37 (hg19) VCF-style: chr13-23904576-GA-G.
Other names: c.12997del, p.Ser4333fs (NM_001278055.2); c.13465del, p.Ser4489fs (NM_001437336.1); short protein forms S4333fs, S4480fs, S4489fs.
Identifiers: ClinVar variation 4815683 (VCV004815683.1).